The following is an entry in ClinVar:

ClinVar aggregate classification (germline): Uncertain significance (1 of 4 stars; one submission).

gnomAD v4.1: 1 of 1,613,870 alleles (0.000062%); highest among the groups gnomAD compares: African/African-American, 0.0013%; no homozygotes.

Submission:

Mayo Clinic Laboratories, Mayo Clinic
Classification: Uncertain significance. Last evaluated: 2025-11-13. Review status: criteria provided, single submitter. Criteria: ACMG Guidelines, 2015. Collection method: clinical testing. Allele origin: germline. Observed: 1 variant allele.
Comment: BP4_moderate, PM2_supporting

NM_000081.4(LYST):c.2820G>A (p.Met940Ile)

Gene: LYST (lysosomal trafficking regulator; minus strand). Cytogenetic location: 1q42.3.
Variant type: single nucleotide variant.
Coding change: c.2820G>A on transcript NM_000081.4 (MANE Select); coding-DNA position 2820, G replaced by A.
Protein change: p.Met940Ile; replaces methionine 940 with isoleucine.
Molecular consequence: missense variant.
Genome position (GRCh38, 1-based): chr1:235,806,316, C>T on the plus strand (G>A on the coding strand, the complement: LYST is on the minus strand). VCF-style: chr1-235806316-C-T. GRCh37 (hg19) VCF-style: chr1-235969616-C-T.
Other names: p.Met940Ile; c.2820G>A, p.Met940Ile (NM_001301365.1); short protein forms M940I.
Identifiers: ClinVar variation 4542441 (VCV004542441.1).